The following is an entry in ClinVar:

ClinVar aggregate classification (germline): Uncertain significance (1 of 4 stars; one submission).

Conditions:
Developmental and epileptic encephalopathy, 37 (DEE37). Also called: Epileptic encephalopathy, early infantile, 37. Identifiers: MedGen C4310770, MONDO:0014859, OMIM 616981.

Allele frequency attached by ClinVar (database versions not stated): gnomAD exomes below 0.00001; gnomAD 0.00001; TOPMed 0.00001.
gnomAD v4.1: 7 of 1,613,644 alleles (0.00043%); highest among the groups gnomAD compares: Non-Finnish European, 0.00059%; no homozygotes.

Submission:

Labcorp Genetics (formerly Invitae), Labcorp
Classification: Uncertain significance for Developmental and epileptic encephalopathy, 37. Last evaluated: 2024-10-24. Review status: criteria provided, single submitter. Criteria: Invitae Variant Classification Sherloc (09022015). Collection method: clinical testing. Allele origin: germline.
Comment: This sequence change replaces aspartic acid, which is acidic and polar, with glutamic acid, which is acidic and polar, at codon 202 of the FRRS1L protein (p.Asp202Glu). This variant is not present in population databases (gnomAD no frequency). This variant has not been reported in the literature in individuals affected with FRRS1L-related conditions. ClinVar contains an entry for this variant (Variation ID: 2096124). An algorithm developed to predict the effect of missense changes on protein structure and function (PolyPhen-2) suggests that this variant is likely to be disruptive. In summary, the available evidence is currently insufficient to determine the role of this variant in disease. Therefore, it has been classified as a Variant of Uncertain Significance.

NM_014334.4(FRRS1L):c.453C>A (p.Asp151Glu)

Gene: FRRS1L (ferric chelate reductase 1 like; minus strand). Cytogenetic location: 9q31.3.
Variant type: single nucleotide variant.
Coding change: c.453C>A on transcript NM_014334.4 (MANE Select); coding-DNA position 453, C replaced by A.
Protein change: p.Asp151Glu; replaces aspartic acid 151 with glutamic acid.
Molecular consequence: missense variant.
Genome position (GRCh38, 1-based): chr9:109,147,060, G>T on the plus strand (C>A on the coding strand, the complement: FRRS1L is on the minus strand). VCF-style: chr9-109147060-G-T. GRCh37 (hg19) VCF-style: chr9-111909340-G-T.
Other names: short protein forms D151E.
Identifiers: ClinVar variation 2096124 (VCV002096124.3), dbSNP rs1430255629, ClinGen allele CA374426583.